The following is an entry in ClinVar:

ClinVar aggregate classification (germline): Benign/Likely benign. Review status: criteria provided, multiple submitters, no conflicts (2 of 4 stars). 4 submissions from 4 submitters: Benign (2); Likely benign (2). Last evaluated 2025-10-13.

Conditions:
Ehlers-Danlos syndrome, classic type, 1 (EDSCL1). Also called: EHLERS-DANLOS SYNDROME, GRAVIS TYPE; EHLERS-DANLOS SYNDROME, SEVERE CLASSIC TYPE; Ehlers-Danlos syndrome, type 1; Ehlers-Danlos Syndrome, Classic Type, COL5A1-Related; EDS I. Identifiers: MedGen C0268335, MONDO:0019567, OMIM 130000.
Osteogenesis imperfecta type I (OI1). Also called: Lobstein disease; Lobstein's Disease; OI, TYPE I; OSTEOGENESIS IMPERFECTA TARDA; OSTEOGENESIS IMPERFECTA WITH BLUE SCLERAE; Classic Non-deforming Osteogenesis Imperfecta with Blue Sclerae. Identifiers: Orphanet 216796, Orphanet 666, MedGen C0023931, MONDO:0008146, OMIM 166200. Disease mechanism: loss of function.

Allele frequency attached by ClinVar (database versions not stated): gnomAD exomes 0.00015; ExAC 0.00027; gnomAD 0.00066 and 0.00071; TOPMed 0.00068; 1000 Genomes Project 0.00100; ESP Exome Variant Server 0.00100; 1000 Genomes Project 30x 0.00156.
gnomAD v4.1: 186 of 1,607,460 alleles (0.012%); highest among the groups gnomAD compares: African/African-American, 0.23%; no homozygotes.

Submissions (4):

Labcorp Genetics (formerly Invitae), Labcorp
Classification: Benign for Osteogenesis imperfecta type I; Ehlers-Danlos syndrome, classic type, 1. Last evaluated: 2025-10-13. Review status: criteria provided, single submitter. Criteria: Invitae Variant Classification Sherloc (09022015). Collection method: clinical testing. Allele origin: germline.

Women's Health and Genetics/Laboratory Corporation of America, LabCorp
Classification: Benign. Last evaluated: 2025-01-07. Review status: criteria provided, single submitter. Criteria: LabCorp Variant Classification Summary - May 2015. Collection method: clinical testing. Allele origin: germline.
Comment: Variant summary: COL1A2 c.1405-16A>G alters a nucleotide located at a position not widely known to affect splicing. Consensus agreement among computation tools predict no significant impact on normal splicing (TrAP). However, these predictions have yet to be confirmed by functional studies. The variant allele was found at a frequency of 0.00015 in 245398 control chromosomes. The observed variant frequency is approximately 5.36 fold of the estimated maximal expected allele frequency for a pathogenic variant in COL1A2 causing Osteogenesis Imperfecta phenotype (2.8e-05). To our knowledge, no occurrence of c.1405-16A>G in individuals affected with Osteogenesis Imperfecta and no experimental evidence demonstrating its impact on protein function have been reported. ClinVar contains an entry for this variant (Variation ID: 681479). Based on the evidence outlined above, the variant was classified as benign.

Blueprint Genetics
Classification: Likely benign. Last evaluated: 2023-06-29. Review status: criteria provided, single submitter. Criteria: ACMG Guidelines, 2015. Collection method: clinical testing. Allele origin: germline.

GeneDx
Classification: Likely benign. Last evaluated: 2018-04-04. Review status: criteria provided, single submitter. Criteria: GeneDx Variant Classification (06012015). Collection method: clinical testing. Allele origin: germline. Affected: yes.
Comment: This variant is considered likely benign or benign based on one or more of the following criteria: it is a conservative change, it occurs at a poorly conserved position in the protein, it is predicted to be benign by multiple in silico algorithms, and/or has population frequency not consistent with disease.

NM_000089.4(COL1A2):c.1405-16A>G

Gene: COL1A2 (collagen type I alpha 2 chain; plus strand). Cytogenetic location: 7q21.3.
Variant type: single nucleotide variant.
Coding change: c.1405-16A>G on transcript NM_000089.4 (MANE Select); 16 bases into the intron before coding-DNA position 1405, A replaced by G.
Molecular consequence: intron variant.
Genome position (GRCh38, 1-based): chr7:94,412,568, A>G. VCF-style: chr7-94412568-A-G. GRCh37 (hg19) VCF-style: chr7-94041880-A-G.
Identifiers: ClinVar variation 681479 (VCV000681479.12), dbSNP rs73428205, ClinGen allele CA4347048.